The following is an entry in ClinVar:

NM_001009944.3(PKD1):c.6586C>T (p.Gln2196Ter)

Gene: PKD1 (polycystin 1, transient receptor potential channel interacting; minus strand). Cytogenetic location: 16p13.3.
Variant type: single nucleotide variant.
Coding change: c.6586C>T on transcript NM_001009944.3 (MANE Select); coding-DNA position 6586, C replaced by T.
Protein change: p.Gln2196Ter; replaces glutamine 2196 with a stop codon.
Molecular consequence: nonsense.
Genome position (GRCh38, 1-based): chr16:2,108,581, G>A on the plus strand (C>T on the coding strand, the complement: PKD1 is on the minus strand). VCF-style: chr16-2108581-G-A. GRCh37 (hg19) VCF-style: chr16-2158582-G-A.
Other names: c.6586C>T, p.Gln2196Ter (NM_000296.4); short protein forms Q2196*.
Identifiers: ClinVar variation 620104 (VCV000620104.7), dbSNP rs1567192286, ClinGen allele CA394373258.
Genomic context (GRCh38, chr16:2,108,581, plus strand): 5'-GCCGAGGCCGGCTCACGTCCACGCCGGGCAGGGCCACACGCGCTGGGCGCCCCGGCCGCT[G>A]GCAGCTGGCGGTGCGATACACCTCCCAGCGGTACTCAGTCTGGTAGGTGACGCAGTCGCG-3'

ClinVar aggregate classification (germline): Pathogenic. Review status: criteria provided, multiple submitters, no conflicts (2 of 4 stars). 5 submissions from 5 submitters: Pathogenic (5). Last evaluated 2025-08-21.

Conditions:
PKD1-related disorder. Also called: PKD1-related condition.
Polycystic kidney disease, adult type (PKD1). Also called: Polycystic Kidney, Autosomal Dominant; POLYCYSTIC KIDNEY DISEASE 1 WITH OR WITHOUT POLYCYSTIC LIVER DISEASE; POLYCYSTIC KIDNEY DISEASE, ADULT, TYPE I; Polycystic Kidney Disease 1, Autosomal Dominant; Polycystic kidney disease 1; Polycystic kidney disease 1, severe. Identifiers: MedGen C3149841, MONDO:0008263, OMIM 173900.

Submissions (5):

GeneDx
Classification: Pathogenic. Last evaluated: 2025-08-21. Review status: criteria provided, single submitter. Criteria: GeneDx Variant Classification Process June 2021. Collection method: clinical testing. Allele origin: germline. Affected: yes.
Comment: Observed in patient with polycystic kidney disease in published literature and presumed to be inherited from a mildly affected parent; this patient was also heterozygous for a PKD2 variant that segregated with disease in a second affected parent and additional relatives (PMID: 29973168); Nonsense variant predicted to result in protein truncation or nonsense mediated decay in a gene for which loss of function is a known mechanism of disease; Not observed at significant frequency in large population cohorts (gnomAD); This variant is associated with the following publications: (PMID: 37628640, 33639313, 25333066, 33102977, 24694054, 29973168)

Variantyx, Inc.
Classification: Pathogenic for Polycystic kidney disease, adult type. Last evaluated: 2025-04-16. Review status: criteria provided, single submitter. Criteria: Variantyx Assertion Criteria 2022. Collection method: clinical testing. Allele origin: germline. Inheritance: Autosomal dominant inheritance. Affected: yes.
Comment: This is a nonsense variant in the PKD1 gene (OMIM: 601313). Pathogenic variants in this gene have been associated with autosomal dominant polycystic kidney disease 1. This variant introduces a premature termination codon in exon 15 out of 46 and is expected to result in loss of function, which is a known disease mechanism for PKD1 in this disorder (PMID: 29529603, 24694054, 25491204) (PVS1). This variant has been reported in at least 2 unrelated affected individuals (PMID: 24694054, 29973168, 33639313 ) (PS4_Moderate), while it is absent from control populations (PM2). Based on the current evidence, this variant is classified as pathogenic for autosomal dominant polycystic kidney disease 1.

Fulgent Genetics
Classification: Pathogenic for Polycystic kidney disease, adult type. Last evaluated: 2024-02-24. Review status: criteria provided, single submitter. Criteria: ACMG Guidelines, 2015. Collection method: clinical testing. Allele origin: germline.

Blueprint Genetics
Classification: Pathogenic for PKD1-related disorders. Last evaluated: 2023-07-20. Review status: criteria provided, single submitter. Criteria: ACMG Guidelines, 2015. Collection method: clinical testing. Allele origin: germline. Affected: yes. Observed: 1 variant allele.

Eurofins-Biomnis
Classification: Pathogenic for Polycystic kidney disease, adult type. Last evaluated: 2022-11-04. Review status: criteria provided, single submitter. Criteria: Accession Criteria ClinVar Biomnis. Collection method: clinical testing. Allele origin: germline. Affected: yes. Observed: 1 heterozygote.

Literature cited by the submitters: PubMed 29529603 (cited by Variantyx, Inc.); PubMed 24694054 (cited by Variantyx, Inc.); PubMed 25491204 (cited by Variantyx, Inc.); PubMed 29973168 (cited by Variantyx, Inc.); PubMed 33639313 (cited by Variantyx, Inc.).